The following is an entry in ClinVar:

NM_001144967.3(NEDD4L):c.20A>C (p.Glu7Ala)

Genes: NEDD4L (NEDD4 like E3 ubiquitin protein ligase; plus strand), LOC130062568 (ATAC-STARR-seq lymphoblastoid silent region 9483; plus strand). Cytogenetic location: 18q21.31.
Variant type: single nucleotide variant.
Coding change: c.20A>C on transcript NM_001144967.3 (MANE Select); coding-DNA position 20, A replaced by C.
Protein change: p.Glu7Ala; replaces glutamic acid 7 with alanine.
Molecular consequence: missense variant.
Genome position (GRCh38, 1-based): chr18:58,044,680, A>C. VCF-style: chr18-58044680-A-C. GRCh37 (hg19) VCF-style: chr18-55711912-A-C.
Other names: c.20A>C, p.Glu7Ala (NM_001243960.2, NM_015277.6); short protein forms E7A.
Identifiers: ClinVar variation 4712129 (VCV004712129.1).

ClinVar aggregate classification (germline): Uncertain significance (1 of 4 stars; one submission).

Submission:

Labcorp Genetics (formerly Invitae), Labcorp
Classification: Uncertain significance. Last evaluated: 2025-03-10. Review status: criteria provided, single submitter. Criteria: Invitae Variant Classification Sherloc (09022015). Collection method: clinical testing. Allele origin: germline.
Comment: This sequence change replaces glutamic acid, which is acidic and polar, with alanine, which is neutral and non-polar, at codon 7 of the NEDD4L protein (p.Glu7Ala). This variant is not present in population databases (gnomAD no frequency). This variant has not been reported in the literature in individuals affected with NEDD4L-related conditions. An algorithm developed to predict the effect of missense changes on protein structure and function (PolyPhen-2) suggests that this variant is likely to be tolerated. In summary, the available evidence is currently insufficient to determine the role of this variant in disease. Therefore, it has been classified as a Variant of Uncertain Significance.